The following is an entry in ClinVar:

ClinVar aggregate classification (germline): Conflicting classifications of pathogenicity. Review status: criteria provided, conflicting classifications (1 of 4 stars). 9 submissions from 9 submitters: Uncertain significance (5); Benign (1); Likely benign (2). 1 of the submissions does not count toward it. Last evaluated 2026-01-22.

Conditions:
Hereditary cancer-predisposing syndrome. Also called: Tumor predisposition; Hereditary Cancer Syndrome; Hereditary neoplastic syndrome; Neoplastic Syndromes, Hereditary. Identifiers: Orphanet 140162, MedGen C0027672, MeSH D009386, MONDO:0015356.
Hereditary breast ovarian cancer syndrome. Also called: Hereditary breast and ovarian cancer syndrome (HBOC); Breast and ovarian cancer; Hereditary breast and ovarian cancer; Hereditary breast and ovarian cancer syndrome; BRCA1- and BRCA2-Associated Hereditary Breast and Ovarian Cancer; Hereditary breast and/or ovarian cancer syndrome. Identifiers: Orphanet 145, MedGen C0677776, MeSH D061325, MONDO:0003582. Disease mechanism: loss of function.
Breast-ovarian cancer, familial, susceptibility to, 2 (BROVCA2). Also called: BRCA2 Hereditary Breast and Ovarian Cancer. Identifiers: Orphanet 145, MedGen C2675520, MONDO:0012933, OMIM 612555. Disease mechanism: loss of function.
Malignant tumor of breast. Also called: Malignant breast neoplasm; Cancer breast. Identifiers: MedGen C0006142, MONDO:0007254. Disease mechanism: loss of function.

Allele frequency attached by ClinVar (database versions not stated): gnomAD exomes below 0.00001; TOPMed below 0.00001; ExAC 0.00001; gnomAD 0.00001.
gnomAD v4.1: 5 of 1,613,960 alleles (0.00031%); highest among the groups gnomAD compares: Non-Finnish European, 0.00042%; no homozygotes.

Submissions (9):

Myriad Genetics, Inc.
Classification: Benign for Breast-ovarian cancer, familial, susceptibility to, 2. Last evaluated: 2026-01-22. Review status: criteria provided, single submitter. Criteria: Myriad Autosomal Dominant, Autosomal Recessive and X-Linked Classification Criteria (2023). Collection method: clinical testing. Allele origin: unknown.
Comment: This variant is considered benign. Homozygosity for this variant has been confirmed in one or more individuals lacking clinical features consistent with gene-specific recessive disease, indicating that this variant is unlikely to be pathogenic. This variant is strongly associated with less severe personal and family histories of cancer, typical for individuals without pathogenic variants in this gene [PMID: 25085752].

Ambry Genetics
Classification: Uncertain significance for Hereditary cancer-predisposing syndrome. Last evaluated: 2025-12-17. Review status: criteria provided, single submitter. Criteria: Ambry Variant Classification Scheme 2023. Collection method: clinical testing. Allele origin: germline.
Comment: The p.K789R variant (also known as c.2366A>G), located in coding exon 10 of the BRCA2 gene, results from an A to G substitution at nucleotide position 2366. The lysine at codon 789 is replaced by arginine, an amino acid with highly similar properties. This amino acid position is highly conserved in available vertebrate species. In addition, this alteration is predicted to be tolerated by in silico analysis. Based on the available evidence, the clinical significance of this variant remains unclear.

Labcorp Genetics (formerly Invitae), Labcorp
Classification: Uncertain significance for Hereditary breast ovarian cancer syndrome. Last evaluated: 2025-09-08. Review status: criteria provided, single submitter. Criteria: Invitae Variant Classification Sherloc (09022015). Collection method: clinical testing. Allele origin: germline.
Comment: This sequence change replaces lysine, which is basic and polar, with arginine, which is basic and polar, at codon 789 of the BRCA2 protein (p.Lys789Arg). This variant is present in population databases (rs587782062, gnomAD 0.0009%). This variant has not been reported in the literature in individuals affected with BRCA2-related conditions. ClinVar contains an entry for this variant (Variation ID: 141857). Invitae Evidence Modeling of protein sequence and biophysical properties (such as structural, functional, and spatial information, amino acid conservation, physicochemical variation, residue mobility, and thermodynamic stability) indicates that this missense variant is not expected to disrupt BRCA2 protein function with a negative predictive value of 95%. In summary, the available evidence is currently insufficient to determine the role of this variant in disease. Therefore, it has been classified as a Variant of Uncertain Significance.

Mayo Clinic Laboratories, Mayo Clinic
Classification: Likely benign. Last evaluated: 2025-03-25. Review status: criteria provided, single submitter. Criteria: ACMG Guidelines, 2015. Collection method: clinical testing. Allele origin: germline. Observed: 1 variant allele.
Comment: BP1_strong

GeneDx
Classification: Uncertain significance. Last evaluated: 2024-06-05. Review status: criteria provided, single submitter. Criteria: GeneDx Variant Classification Process June 2021. Collection method: clinical testing. Allele origin: germline. Affected: yes.
Comment: Not observed at significant frequency in large population cohorts (gnomAD); In silico analysis supports that this missense variant has a deleterious effect on protein structure/function; Has not been previously published as pathogenic or benign to our knowledge; Also known as 2594A>G

University of Washington Department of Laboratory Medicine, University of Washington
Classification: Likely benign for Hereditary cancer-predisposing syndrome. Last evaluated: 2023-03-23. Review status: criteria provided, single submitter. Criteria: Dines et al. (Genet Med. 2020). Collection method: curation. Allele origin: germline.
Comment: Missense variant in a coldspot region where missense variants are very unlikely to be pathogenic (PMID:31911673).

BRCA2 exon 11 coldspot. Reclassification based on statistical prior probability.

Quest Diagnostics Nichols Institute San Juan Capistrano
Classification: Uncertain significance. Last evaluated: 2020-08-14. Review status: criteria provided, single submitter. Criteria: Quest Diagnostics criteria. Collection method: clinical testing. Allele origin: unknown.

PreventionGenetics, part of Exact Sciences
Classification: Uncertain significance. Last evaluated: 2017-03-31. Review status: criteria provided, single submitter. Criteria: ACMG Guidelines, 2015. Collection method: clinical testing. Allele origin: germline.

Department of Pathology and Laboratory Medicine, Sinai Health System
Classification: Uncertain significance for Malignant tumor of breast. Review status: no assertion criteria provided. Collection method: clinical testing. Allele origin: unknown. Affected: yes. Study: The Canadian Open Genetics Repository (COGR). Not counted in ClinVar's aggregate classification.
Comment: The BRCA2 p.Lys789Arg variant was not identified in the literature nor was it identified in the following databases: COGR, Cosmic, MutDB, LOVD 3.0, UMD-LSDB, BIC Database, ARUP Laboratories, or the Zhejiang University Database. The variant was identified in dbSNP (ID: rs587782062) as "With Uncertain significance allele", ClinVar (1x uncertain significance), and the Clinvitae database. The variant was identified in control databases in 1 of 245756 chromosomes at a frequency of 0.000004 (Genome Aggregation Database Feb 27, 2017). It was observed in the European population in 1 of 111352 chromosomes (freq: 0.000009), but not in the African, Other, Latino, Ashkenazi Jewish, East Asian, Finnish, or South Asian populations. The p.Lys789 residue is conserved in mammals but not in more distantly related organisms. However four out of five computational analyses (PolyPhen-2, SIFT, AlignGVGD, BLOSUM, MutationTaster) do not suggest a high likelihood of impact to the protein; this information is not predictive enough to rule out pathogenicity. The variant occurs outside of the splicing consensus sequence and 2 of 5 in silico or computational prediction software programs (SpliceSiteFinder, MaxEntScan, NNSPLICE, GeneSplicer, HumanSpliceFinder) predict a greater than 10% difference in splicing; this is not very predictive of pathogenicity. In summary, based on the above information the clinical significance of this variant cannot be determined with certainty at this time. This variant is classified as a variant of uncertain significance.

Literature cited by the submitters: PubMed 25085752 (cited by Myriad Genetics, Inc.).

NM_000059.4(BRCA2):c.2366A>G (p.Lys789Arg)

Gene: BRCA2 (BRCA2 DNA repair associated; plus strand). Cytogenetic location: 13q13.1.
Variant type: single nucleotide variant.
Coding change: c.2366A>G on transcript NM_000059.4 (MANE Select); coding-DNA position 2366, A replaced by G.
Protein change: p.Lys789Arg; replaces lysine 789 with arginine.
Molecular consequence: missense variant.
Genome position (GRCh38, 1-based): chr13:32,336,721, A>G. VCF-style: chr13-32336721-A-G. GRCh37 (hg19) VCF-style: chr13-32910858-A-G.
Other names: p.Lys789Arg; short protein forms K789R.
Identifiers: ClinVar variation 141857 (VCV000141857.22), dbSNP rs587782062, ClinGen allele CA015045.